The following is an entry in ClinVar:

ClinVar aggregate classification (germline): Conflicting classifications of pathogenicity. Review status: criteria provided, conflicting classifications (1 of 4 stars). 2 submissions from 2 submitters: Uncertain significance (1); Likely benign (1). Last evaluated 2024-05-01.

Allele frequency attached by ClinVar (database versions not stated): ExAC 0.00001; gnomAD exomes 0.00001.
gnomAD v4.1: 8 of 1,613,916 alleles (0.0005%); highest among the groups gnomAD compares: Non-Finnish European, 0.00068%; no homozygotes.

Submissions (2):

CeGaT Center for Human Genetics Tuebingen
Classification: Likely benign. Last evaluated: 2024-05-01. Review status: criteria provided, single submitter. Criteria: CeGaT Center For Human Genetics Tuebingen Variant Classification Criteria Version 2. Collection method: clinical testing. Allele origin: germline. Affected: yes. Observed: 1 variant allele.
Comment: SET: BP4

Blueprint Genetics
Classification: Uncertain significance. Last evaluated: 2020-06-12. Review status: criteria provided, single submitter. Criteria: ACMG Guidelines, 2015. Collection method: clinical testing. Allele origin: germline.

NM_003011.4(SET):c.273A>G (p.Gln91=)

Gene: SET (SET nuclear proto-oncogene; plus strand). Cytogenetic location: 9q34.11.
Variant type: single nucleotide variant.
Coding change: c.273A>G on transcript NM_003011.4 (MANE Select); coding-DNA position 273, A replaced by G.
Protein change: p.Gln91=; no amino-acid change (glutamine 91 retained).
Molecular consequence: synonymous variant.
Genome position (GRCh38, 1-based): chr9:128,691,999, A>G. VCF-style: chr9-128691999-A-G. GRCh37 (hg19) VCF-style: chr9-131454278-A-G.
Other names: c.312A>G, p.Gln104= (NM_001122821.2, NM_001374326.1); c.246A>G, p.Gln82= (NM_001248000.2); c.240A>G, p.Gln80= (NM_001248001.2).
Identifiers: ClinVar variation 3239452 (VCV003239452.20), dbSNP rs753964058.